The following is an entry in ClinVar:

NM_022455.5(NSD1):c.4735G>C (p.Gly1579Arg)

Gene: NSD1 (nuclear receptor binding SET domain protein 1; plus strand). Cytogenetic location: 5q35.3.
Variant type: single nucleotide variant.
Coding change: c.4735G>C on transcript NM_022455.5 (MANE Select); coding-DNA position 4735, G replaced by C.
Protein change: p.Gly1579Arg; replaces glycine 1579 with arginine.
Molecular consequence: missense variant.
Genome position (GRCh38, 1-based): chr5:177,251,823, G>C. VCF-style: chr5-177251823-G-C. GRCh37 (hg19) VCF-style: chr5-176678824-G-C.
Other names: c.4735G>C, p.Gly1579Arg (NM_001409303.1, NM_001409301.1, NM_001409302.1); c.4315G>C, p.Gly1439Arg (NM_001409304.1); c.3982G>C, p.Gly1328Arg (NM_001409305.1); c.3862G>C, p.Gly1288Arg (NM_001409306.1, NM_001409307.1, NM_001409308.1 and 3 more transcripts); short protein forms G1439R, G1579R, G1288R, G1328R.
Identifiers: ClinVar variation 4087909 (VCV004087909.1).

ClinVar aggregate classification (germline): Uncertain significance (1 of 4 stars; one submission).

Submission:

GeneDx
Classification: Uncertain significance. Last evaluated: 2025-03-23. Review status: criteria provided, single submitter. Criteria: GeneDx Variant Classification Process June 2021. Collection method: clinical testing. Allele origin: germline. Affected: yes.
Comment: Not observed at significant frequency in large population cohorts (gnomAD); In silico analysis supports that this missense variant has a deleterious effect on protein structure/function; Has not been previously published as pathogenic or benign to our knowledge.